The following is an entry in ClinVar:

ClinVar aggregate classification (germline): Uncertain significance (3 of 4 stars; one submission).

Conditions:
Glanzmann thrombasthenia. Also called: PLATELET GLYCOPROTEIN IIb-IIIa DEFICIENCY; BLEEDING DISORDER, PLATELET-TYPE, 2; THROMBASTHENIA OF GLANZMANN AND NAEGELI; Thrombasthenia; Glanzmann's thrombasthenia. Identifiers: Orphanet 849, MedGen C0040015, MONDO:0100326.

Allele frequency attached by ClinVar (database versions not stated): gnomAD exomes below 0.00001; TOPMed 0.00001.
gnomAD v4.1: 2 of 1,611,696 alleles (0.00012%); highest among the groups gnomAD compares: South Asian, 0.0011%; no homozygotes.

Submission:

ClinGen Platelet Disorders Variant Curation Expert Panel, ClinGen
Classification: Uncertain significance for Glanzmann thrombasthenia. Last evaluated: 2025-04-15. Review status: reviewed by expert panel. Criteria: ClinGen Platelet ACMG Specifications v2-1. Collection method: curation. Allele origin: germline. Inheritance: Autosomal recessive inheritance.
Comment: The NM_000419.5(ITGA2B):c.1162G>A (p.Gly388Ser) missense variant has been reported in at least one patient (UPN 4 in PMID: 16879215) with this variant displayed mucocutaneous bleeding and impaired aggregation with all agonists except ristocetin, which is highly specific for Glanzmann thrombasthenia (PP4_moderate). UPN 4 is homozygous for this variant (PM3_supporting; PMID: 16879215). The highest population minor allele frequency in gnomAD v4.1 is 0.00001101 (1/90832 alleles) in the South Asian genetic ancestry group, which is lower than the ClinGen PD VCEP threshold (<0.0001; PM2_Supporting). The computational predictor REVEL gives a score of 0.855, which is above the ClinGen PD VCEP threshold of >0.7 and predicts a damaging effect on function (PP3). In summary, this variant meets the criteria to be classified as uncertain significance for autosomal recessive Glanzmann Thrombasthenia based on the ACMG/AMP criteria applied, as specified by the ClinGen PD VCEP: PM2_supporting, PM3_supporting, PP4_moderate, PP3.

NM_000419.5(ITGA2B):c.1162G>A (p.Gly388Ser)

Gene: ITGA2B (integrin subunit alpha 2b; minus strand). Cytogenetic location: 17q21.31.
Variant type: single nucleotide variant.
Coding change: c.1162G>A on transcript NM_000419.5 (MANE Select); coding-DNA position 1162, G replaced by A.
Protein change: p.Gly388Ser; replaces glycine 388 with serine.
Molecular consequence: missense variant.
Genome position (GRCh38, 1-based): chr17:44,383,541, C>T on the plus strand (G>A on the coding strand, the complement: ITGA2B is on the minus strand). VCF-style: chr17-44383541-C-T. GRCh37 (hg19) VCF-style: chr17-42460909-C-T.
Other names: NM_000419.5:c.1162G>A; short protein forms G388S.
Identifiers: ClinVar variation 1879029 (VCV001879029.2), dbSNP rs774609204, ClinGen allele CA8603212.